The following is an entry in ClinVar:

ClinVar aggregate classification (germline): Uncertain significance (1 of 4 stars; one submission).

Allele frequency attached by ClinVar (database versions not stated): TOPMed below 0.00001.

Submission:

Labcorp Genetics (formerly Invitae), Labcorp
Classification: Uncertain significance. Last evaluated: 2022-11-15. Review status: criteria provided, single submitter. Criteria: Invitae Variant Classification Sherloc (09022015). Collection method: clinical testing. Allele origin: germline.
Comment: This variant has not been reported in the literature in individuals affected with GRIN2D-related conditions. Algorithms developed to predict the effect of missense changes on protein structure and function are either unavailable or do not agree on the potential impact of this missense change (SIFT: "Tolerated"; PolyPhen-2: "Probably Damaging"; Align-GVGD: "Class C0"). In summary, the available evidence is currently insufficient to determine the role of this variant in disease. Therefore, it has been classified as a Variant of Uncertain Significance. This variant is not present in population databases (gnomAD no frequency). This sequence change replaces glycine, which is neutral and non-polar, with glutamic acid, which is acidic and polar, at codon 276 of the GRIN2D protein (p.Gly276Glu).

NM_000836.4(GRIN2D):c.827G>A (p.Gly276Glu)

Gene: GRIN2D (glutamate ionotropic receptor NMDA type subunit 2D; plus strand). Cytogenetic location: 19q13.33.
Variant type: single nucleotide variant.
Coding change: c.827G>A on transcript NM_000836.4 (MANE Select); coding-DNA position 827, G replaced by A.
Protein change: p.Gly276Glu; replaces glycine 276 with glutamic acid.
Molecular consequence: missense variant.
Genome position (GRCh38, 1-based): chr19:48,405,095, G>A. VCF-style: chr19-48405095-G-A. GRCh37 (hg19) VCF-style: chr19-48908352-G-A.
Other names: short protein forms G276E.
Identifiers: ClinVar variation 1904949 (VCV001904949.5), dbSNP rs1366338842, ClinGen allele CA406692480.